The following is an entry in ClinVar:

ClinVar aggregate classification (germline): Likely benign (1 of 4 stars; one submission).

Allele frequency attached by ClinVar (database versions not stated): gnomAD exomes below 0.00001.
gnomAD v4.1: 2 of 1,614,086 alleles (0.00012%); highest among the groups gnomAD compares: Non-Finnish European, 0.00017%; no homozygotes.

Submission:

Laboratory for Molecular Medicine, Mass General Brigham Personalized Medicine
Classification: Likely benign. Last evaluated: 2015-07-15. Review status: criteria provided, single submitter. Criteria: LMM Criteria. Collection method: clinical testing. Allele origin: germline. Observed: 1 variant allele.
Comment: p.Glu704Glu in exon 18 of LARS2: This variant is not expected to have clinical s ignificance because it does not alter an amino acid residue and is not located w ithin the splice consensus sequence.

NM_015340.4(LARS2):c.2112G>A (p.Glu704=)

Gene: LARS2 (leucyl-tRNA synthetase 2, mitochondrial; plus strand). Cytogenetic location: 3p21.31.
Variant type: single nucleotide variant.
Coding change: c.2112G>A on transcript NM_015340.4 (MANE Select); coding-DNA position 2112, G replaced by A.
Protein change: p.Glu704=; no amino-acid change (glutamic acid 704 retained).
Molecular consequence: synonymous variant.
Genome position (GRCh38, 1-based): chr3:45,517,970, G>A. VCF-style: chr3-45517970-G-A. GRCh37 (hg19) VCF-style: chr3-45559462-G-A.
Other names: c.2112G>A, p.Glu704= (NM_001368263.1).
Identifiers: ClinVar variation 227488 (VCV000227488.4), dbSNP rs876657486, ClinGen allele CA10576620.